The following is an entry in ClinVar:

ClinVar aggregate classification (germline): Uncertain significance. Review status: criteria provided, multiple submitters, no conflicts (2 of 4 stars). 2 submissions from 2 submitters: Uncertain significance (2). Last evaluated 2025-12-04.

Conditions:
Gorlin syndrome. Also called: Nevoid Basal Cell Carcinoma Syndrome; Basal cell nevus syndrome. Identifiers: Orphanet 377, MedGen C0004779, MONDO:0007187.

Allele frequency attached by ClinVar (database versions not stated): gnomAD exomes below 0.00001; ExAC 0.00003; ESP Exome Variant Server 0.00008; 1000 Genomes Project 30x 0.00016; 1000 Genomes Project 0.00020.
gnomAD v4.1: 17 of 1,614,158 alleles (0.0011%); highest among the groups gnomAD compares: African/African-American, 0.023%; no homozygotes.

Submissions (2):

Ambry Genetics
Classification: Uncertain significance. Last evaluated: 2025-12-04. Review status: criteria provided, single submitter. Criteria: Ambry Variant Classification Scheme 2023. Collection method: clinical testing. Allele origin: germline.

Labcorp Genetics (formerly Invitae), Labcorp
Classification: Uncertain significance for Gorlin syndrome. Last evaluated: 2023-09-17. Review status: criteria provided, single submitter. Criteria: Invitae Variant Classification Sherloc (09022015). Collection method: clinical testing. Allele origin: germline.
Comment: Advanced modeling of protein sequence and biophysical properties (such as structural, functional, and spatial information, amino acid conservation, physicochemical variation, residue mobility, and thermodynamic stability) performed at Invitae indicates that this missense variant is not expected to disrupt PTCH2 protein function. This sequence change replaces proline, which is neutral and non-polar, with leucine, which is neutral and non-polar, at codon 618 of the PTCH2 protein (p.Pro618Leu). This variant is present in population databases (rs370289347, gnomAD 0.04%), and has an allele count higher than expected for a pathogenic variant. This variant has not been reported in the literature in individuals affected with PTCH2-related conditions. In summary, the available evidence is currently insufficient to determine the role of this variant in disease. Therefore, it has been classified as a Variant of Uncertain Significance.

NM_003738.5(PTCH2):c.1853C>T (p.Pro618Leu)

Gene: PTCH2 (patched 2; minus strand). Cytogenetic location: 1p34.1.
Variant type: single nucleotide variant.
Coding change: c.1853C>T on transcript NM_003738.5 (MANE Select); coding-DNA position 1853, C replaced by T.
Protein change: p.Pro618Leu; replaces proline 618 with leucine.
Molecular consequence: missense variant.
Genome position (GRCh38, 1-based): chr1:44,828,048, G>A on the plus strand (C>T on the coding strand, the complement: PTCH2 is on the minus strand). VCF-style: chr1-44828048-G-A. GRCh37 (hg19) VCF-style: chr1-45293720-G-A.
Other names: c.1853C>T (NM_003738.4); c.1853C>T, p.Pro618Leu (NM_001166292.2); short protein forms P618L.
Identifiers: ClinVar variation 2991941 (VCV002991941.4), dbSNP rs370289347, ClinGen allele CA823158.